The following is an entry in ClinVar:

ClinVar aggregate classification (germline): Uncertain significance. Review status: criteria provided, single submitter (1 of 4 stars). 2 submissions from 2 submitters: Uncertain significance (1). 1 of the submissions does not count toward it. Last evaluated 2021-08-31.

Conditions:
Duchenne muscular dystrophy (DMD). Also called: MUSCULAR DYSTROPHY, PSEUDOHYPERTROPHIC PROGRESSIVE, DUCHENNE TYPE; Duchenne Muscular Dystrophy (DMD). Identifiers: Orphanet 98896, MedGen C0013264, MONDO:0010679, OMIM 310200.
Dystrophin deficiency.
Becker muscular dystrophy (BMD). Also called: MUSCULAR DYSTROPHY, PSEUDOHYPERTROPHIC PROGRESSIVE, BECKER TYPE; Becker Muscular Dystrophy (BMD). Identifiers: Orphanet 98895, MedGen C0917713, MONDO:0010311, OMIM 300376.
Cardiomyopathy (CMYO). Also called: Cardiomyopathies. Identifiers: Orphanet 167848, MedGen C0878544, MONDO:0004994, HP:0001638. Inheritance: Various modes of inheritance.

Submissions (2):

Labcorp Genetics (formerly Invitae), Labcorp
Classification: Uncertain significance for Duchenne muscular dystrophy. Last evaluated: 2021-08-31. Review status: criteria provided, single submitter. Criteria: Invitae Variant Classification Sherloc (09022015). Collection method: clinical testing. Allele origin: germline.
Comment: This sequence change replaces glycine with valine at codon 980 of the DMD protein (p.Gly980Val). The glycine residue is highly conserved and there is a moderate physicochemical difference between glycine and valine. This variant is not present in population databases (ExAC no frequency). This variant has not been reported in the literature in individuals affected with DMD-related conditions. Algorithms developed to predict the effect of missense changes on protein structure and function output the following: SIFT: "Deleterious"; PolyPhen-2: "Possibly Damaging"; Align-GVGD: "Class C0". The valine amino acid residue is found in multiple mammalian species, which suggests that this missense change does not adversely affect protein function. In summary, the available evidence is currently insufficient to determine the role of this variant in disease. Therefore, it has been classified as a Variant of Uncertain Significance.

Natera, Inc.
Classification: Uncertain significance for Becker muscular dystrophy; Cardiomyopathy; Duchenne muscular dystrophy; Dystrophin deficiency. Last evaluated: 2021-03-13. Review status: no assertion criteria provided. Collection method: clinical testing. Allele origin: germline. Not counted in ClinVar's aggregate classification.

NM_004006.3(DMD):c.2939G>T (p.Gly980Val)

Gene: DMD (dystrophin; minus strand). Cytogenetic location: Xp21.1.
Variant type: single nucleotide variant.
Coding change: c.2939G>T on transcript NM_004006.3 (MANE Select); coding-DNA position 2939, G replaced by T.
Protein change: p.Gly980Val; replaces glycine 980 with valine.
Molecular consequence: missense variant.
Genome position (GRCh38, 1-based): chrX:32,472,174, C>A on the plus strand (G>T on the coding strand, the complement: DMD is on the minus strand). VCF-style: chrX-32472174-C-A. GRCh37 (hg19) VCF-style: chrX-32490291-C-A.
Other names: c.2915G>T, p.Gly972Val (NM_000109.4); c.2927G>T, p.Gly976Val (NM_004009.3); c.2570G>T, p.Gly857Val (NM_004010.3); short protein forms G976V, G857V, G972V, G980V.
Identifiers: ClinVar variation 962146 (VCV000962146.8), dbSNP rs1057515875, ClinGen allele CA412667766.